The following is an entry in ClinVar:

NM_001165963.4(SCN1A):c.4002+2342C>T

Genes: SCN1A (sodium voltage-gated channel alpha subunit 1; minus strand), LOC102724058 (uncharacterized LOC102724058; plus strand). Cytogenetic location: 2q24.3.
Variant type: single nucleotide variant.
Coding change: c.4002+2342C>T on transcript NM_001165963.4 (MANE Select); 2342 bases into the intron after coding-DNA position 4002, C replaced by T.
Molecular consequence: intron variant.
Genome position (GRCh38, 1-based): chr2:166,007,377, G>A on the plus strand (C>T on the coding strand, the complement: SCN1A is on the minus strand). VCF-style: chr2-166007377-G-A. GRCh37 (hg19) VCF-style: chr2-166863887-G-A.
Other names: c.3969+2342C>T (NM_001353949.2, NM_001353950.2, NM_001353951.2 and 2 more transcripts); c.3918+2342C>T (NM_001353958.2, NM_001353957.2, NM_001165964.3); c.4002+2342C>T (NM_001202435.3, NM_001353948.2); c.3966+2342C>T (NM_001353955.2, NM_001353954.2); c.3915+2342C>T (NM_001353960.2); c.1560+2342C>T (NM_001353961.2).
Identifiers: ClinVar variation 2787703 (VCV002787703.3), dbSNP rs1326301808, ClinGen allele CA2569498283.
Genomic context (GRCh38, chr2:166,007,377, plus strand): 5'-TTTGTTATTAGTTAGAAATCTGATATGACAGAACATTTGGTGTTACTTTTTGTTCATGAT[G>A]CTCTCCGTCTGTTTCCCTATCCATTAAGACTTGAGTTCTTTTGAAAAAGAAGGTATTTAA-3'

ClinVar aggregate classification (germline): Uncertain significance (1 of 4 stars; one submission).

Conditions:
Early-infantile DEE. Also called: Early infantile epileptic encephalopathy; Early infantile epileptic encephalopathy with suppression bursts; Ohtahara syndrome. Identifiers: Orphanet 1934, MedGen C0393706, MONDO:0800491.

Submission:

Labcorp Genetics (formerly Invitae), Labcorp
Classification: Uncertain significance for Early-infantile DEE. Last evaluated: 2024-05-15. Review status: criteria provided, single submitter. Criteria: Invitae Variant Classification Sherloc (09022015). Collection method: clinical testing. Allele origin: germline.
Comment: This sequence change falls in intron 20 of the SCN1A gene. It does not directly change the encoded amino acid sequence of the SCN1A protein. However, this sequence change falls within a region encompassing a cryptic exon in the SCN1A gene, in which variants have been shown to alter splicing (PMID: 30526861, 34107977). This variant is not present in population databases (gnomAD no frequency). This variant has not been reported in the literature in individuals affected with SCN1A-related conditions. Algorithms developed to predict the effect of sequence changes on RNA splicing suggest that this variant is not likely to affect RNA splicing. In summary, the available evidence is currently insufficient to determine the role of this variant in disease. Therefore, it has been classified as a Variant of Uncertain Significance.

Literature cited by the submitters: PubMed 30526861; PubMed 34107977.